The following is an entry in ClinVar:

ClinVar aggregate classification (germline): Uncertain significance (1 of 4 stars; one submission).

Allele frequency attached by ClinVar (database versions not stated): gnomAD 0.00001; TOPMed 0.00001; ExAC 0.00002.
gnomAD v4.1: 12 of 1,613,946 alleles (0.00074%); highest among the groups gnomAD compares: East Asian, 0.0022%; no homozygotes.

Submission:

Labcorp Genetics (formerly Invitae), Labcorp
Classification: Uncertain significance. Last evaluated: 2023-05-27. Review status: criteria provided, single submitter. Criteria: Invitae Variant Classification Sherloc (09022015). Collection method: clinical testing. Allele origin: germline.
Comment: In summary, the available evidence is currently insufficient to determine the role of this variant in disease. Therefore, it has been classified as a Variant of Uncertain Significance. Algorithms developed to predict the effect of missense changes on protein structure and function output the following: SIFT: "Not Available"; PolyPhen-2: "Benign"; Align-GVGD: "Not Available". The lysine amino acid residue is found in multiple mammalian species, which suggests that this missense change does not adversely affect protein function. This variant has not been reported in the literature in individuals affected with RP1-related conditions. This variant is present in population databases (rs766301554, gnomAD 0.006%). This sequence change replaces glutamic acid, which is acidic and polar, with lysine, which is basic and polar, at codon 102 of the RP1 protein (p.Glu102Lys).

NM_006269.2(RP1):c.304G>A (p.Glu102Lys)

Gene: RP1 (RP1 axonemal microtubule associated; plus strand). Cytogenetic location: 8q12.1.
Variant type: single nucleotide variant.
Coding change: c.304G>A on transcript NM_006269.2 (MANE Select); coding-DNA position 304, G replaced by A.
Protein change: p.Glu102Lys; replaces glutamic acid 102 with lysine.
Molecular consequence: missense variant.
Genome position (GRCh38, 1-based): chr8:54,621,270, G>A. VCF-style: chr8-54621270-G-A. GRCh37 (hg19) VCF-style: chr8-55533830-G-A.
Other names: c.304G>A, p.Glu102Lys (NM_001375654.1); short protein forms E102K.
Identifiers: ClinVar variation 2788062 (VCV002788062.3), dbSNP rs766301554, ClinGen allele CA4751113.
Genomic context (GRCh38, chr8:54,621,270, plus strand): 5'-AACATCAGCACCCCTCGGGGCAGGCACAGCATCACGCGCCTGGAGGAGCTGGAGGACGGC[G>A]AGTCCTACCTATGTTCCCACGGCAGGAAGGTGCAGCCTGTAGACCTGGACAAAGCCCGTC-3'
Protein context (NP_006260.1, residues 92-112): ITRLEELEDG[Glu102Lys]SYLCSHGRKV